The following is an entry in ClinVar:

NM_001605.3(AARS1):c.736C>T (p.Arg246Ter)

Gene: AARS1 (alanyl-tRNA synthetase 1; minus strand). Cytogenetic location: 16q22.1.
Variant type: single nucleotide variant.
Coding change: c.736C>T on transcript NM_001605.3 (MANE Select); coding-DNA position 736, C replaced by T.
Protein change: p.Arg246Ter; replaces arginine 246 with a stop codon.
Molecular consequence: nonsense.
Genome position (GRCh38, 1-based): chr16:70,270,276, G>A on the plus strand (C>T on the coding strand, the complement: AARS1 is on the minus strand). VCF-style: chr16-70270276-G-A. GRCh37 (hg19) VCF-style: chr16-70304179-G-A.
Other names: short protein forms R246*.
Identifiers: ClinVar variation 945940 (VCV000945940.14), dbSNP rs756337758, ClinGen allele CA8141058.

ClinVar aggregate classification (germline): Pathogenic/Likely pathogenic. Review status: criteria provided, multiple submitters, no conflicts (2 of 4 stars). 4 submissions from 4 submitters: Pathogenic (1); Likely pathogenic (1). 2 of the submissions do not count toward it. Last evaluated 2024-08-12.

Conditions:
Charcot-Marie-Tooth disease type 2. Also called: Charcot-Marie-Tooth type 2. Identifiers: Orphanet 64746, MedGen C0270914, MONDO:0018993.

Allele frequency attached by ClinVar (database versions not stated): ExAC 0.00001; gnomAD 0.00001.
gnomAD v4.1: 10 of 1,614,128 alleles (0.00062%); highest among the groups gnomAD compares: East Asian, 0.0022%; no homozygotes.

Submissions (4):

Labcorp Genetics (formerly Invitae), Labcorp
Classification: Pathogenic for Charcot-Marie-Tooth disease type 2. Last evaluated: 2024-08-12. Review status: criteria provided, single submitter. Criteria: Invitae Variant Classification Sherloc (09022015). Collection method: clinical testing. Allele origin: germline.
Comment: This sequence change creates a premature translational stop signal (p.Arg246*) in the AARS gene. It is expected to result in an absent or disrupted protein product. Loss-of-function variants in AARS are known to be pathogenic (PMID: 25817015, 28493438, 34446925). This variant is present in population databases (rs756337758, gnomAD 0.003%). This variant has not been reported in the literature in individuals affected with AARS-related conditions. ClinVar contains an entry for this variant (Variation ID: 945940). Algorithms developed to predict the effect of sequence changes on RNA splicing suggest that this variant may disrupt the consensus splice site. For these reasons, this variant has been classified as Pathogenic.

GeneDx
Classification: Likely pathogenic. Last evaluated: 2021-08-31. Review status: criteria provided, single submitter. Criteria: GeneDx Variant Classification Process June 2021. Collection method: clinical testing. Allele origin: germline. Affected: yes.
Comment: Identified as a germline variant in individuals with papillary thyroid carcinoma from a single family in the published literature (Wang et al., 2019); Not observed at significant frequency in large population cohorts (gnomAD); This variant is associated with the following publications: (PMID: 27535533, 30957677)

Clinical Genetics, Academic Medical Center
Classification: Uncertain significance. Review status: no assertion criteria provided. Collection method: clinical testing. Allele origin: germline. Affected: yes. Study: VKGL Data-share Consensus. Not counted in ClinVar's aggregate classification.

Joint Genome Diagnostic Labs from Nijmegen and Maastricht, Radboudumc and MUMC+
Classification: Uncertain significance. Review status: no assertion criteria provided. Collection method: clinical testing. Allele origin: germline. Affected: yes. Study: VKGL Data-share Consensus. Not counted in ClinVar's aggregate classification.

Literature cited by the submitters: PubMed 25817015 (cited by Labcorp Genetics (formerly Invitae), Labcorp); PubMed 28493438 (cited by Labcorp Genetics (formerly Invitae), Labcorp); PubMed 34446925 (cited by Labcorp Genetics (formerly Invitae), Labcorp).